The following is an entry in ClinVar:

NM_022464.5(SIL1):c.1247C>A (p.Pro416His)

Gene: SIL1 (SIL1 nucleotide exchange factor; minus strand). Cytogenetic location: 5q31.2.
Variant type: single nucleotide variant.
Coding change: c.1247C>A on transcript NM_022464.5 (MANE Select); coding-DNA position 1247, C replaced by A.
Protein change: p.Pro416His; replaces proline 416 with histidine.
Molecular consequence: missense variant.
Genome position (GRCh38, 1-based): chr5:138,947,256, G>T on the plus strand (C>A on the coding strand, the complement: SIL1 is on the minus strand). VCF-style: chr5-138947256-G-T. GRCh37 (hg19) VCF-style: chr5-138282945-G-T.
Other names: c.1247C>A, p.Pro416His (NM_001037633.2); short protein forms P416H.
Identifiers: ClinVar variation 1716558 (VCV001716558.3), dbSNP rs2534008630, ClinGen allele CA361136602.

ClinVar aggregate classification (germline): Uncertain significance (1 of 4 stars; one submission).

Conditions:
Marinesco-Sjögren syndrome (MSS). Also called: Marinesco-SjÃ¶gren syndrome; Marinesco-Sjogren Syndrome. Identifiers: Orphanet 559, MedGen C0024814, MONDO:0009567, OMIM 248800.

Submission:

Labcorp Genetics (formerly Invitae), Labcorp
Classification: Uncertain significance for Marinesco-Sjögren syndrome. Last evaluated: 2022-08-16. Review status: criteria provided, single submitter. Criteria: Invitae Variant Classification Sherloc (09022015). Collection method: clinical testing. Allele origin: germline.
Comment: This sequence change replaces proline, which is neutral and non-polar, with histidine, which is basic and polar, at codon 416 of the SIL1 protein (p.Pro416His). This variant is not present in population databases (gnomAD no frequency). This variant has not been reported in the literature in individuals affected with SIL1-related conditions. Algorithms developed to predict the effect of missense changes on protein structure and function (SIFT, PolyPhen-2, Align-GVGD) all suggest that this variant is likely to be tolerated. In summary, the available evidence is currently insufficient to determine the role of this variant in disease. Therefore, it has been classified as a Variant of Uncertain Significance.